The following is an entry in ClinVar:

NM_006231.4(POLE):c.6056C>T (p.Ala2019Val)

Gene: POLE (DNA polymerase epsilon, catalytic subunit; minus strand). Cytogenetic location: 12q24.33.
Variant type: single nucleotide variant.
Coding change: c.6056C>T on transcript NM_006231.4 (MANE Select); coding-DNA position 6056, C replaced by T.
Protein change: p.Ala2019Val; replaces alanine 2019 with valine.
Molecular consequence: missense variant.
Genome position (GRCh38, 1-based): chr12:132,632,744, G>A on the plus strand (C>T on the coding strand, the complement: POLE is on the minus strand). VCF-style: chr12-132632744-G-A. GRCh37 (hg19) VCF-style: chr12-133209330-G-A.
Other names: short protein forms A2019V.
Identifiers: ClinVar variation 3225496 (VCV003225496.1), dbSNP rs777110041, ClinGen allele CA387370717.

ClinVar aggregate classification (germline): Uncertain significance (1 of 4 stars; one submission).

Conditions:
Hereditary cancer-predisposing syndrome. Also called: Neoplastic Syndromes, Hereditary; Tumor predisposition; Hereditary neoplastic syndrome; Hereditary Cancer Syndrome. Identifiers: Orphanet 140162, MedGen C0027672, MeSH D009386, MONDO:0015356.

Submission:

Ambry Genetics
Classification: Uncertain significance for Hereditary cancer-predisposing syndrome. Last evaluated: 2023-09-21. Review status: criteria provided, single submitter. Criteria: Ambry Variant Classification Scheme 2023. Collection method: clinical testing. Allele origin: germline.
Comment: The p.A2019V variant (also known as c.6056C>T), located in coding exon 44 of the POLE gene, results from a C to T substitution at nucleotide position 6056. The alanine at codon 2019 is replaced by valine, an amino acid with similar properties. This amino acid position is conserved. In addition, this alteration is predicted to be tolerated by in silico analysis. Since supporting evidence is limited at this time, the clinical significance of this alteration remains unclear.